The following is an entry in ClinVar:

ClinVar aggregate classification (germline): Uncertain significance. Review status: criteria provided, multiple submitters, no conflicts (2 of 4 stars). 2 submissions from 2 submitters: Uncertain significance (2). Last evaluated 2024-01-26.

Conditions:
Autosomal dominant Parkinson disease 8. Also called: LRRK2-Related Parkinson Disease; Parkinson disease 8; Parkinson disease 8, susceptibility to. Identifiers: Orphanet 411602, MedGen C1846862, MONDO:0011764, OMIM 607060.
Inborn genetic diseases. Identifiers: MedGen C0950123, MeSH D030342.

Submissions (2):

Ambry Genetics
Classification: Uncertain significance for Inborn genetic diseases. Last evaluated: 2024-01-26. Review status: criteria provided, single submitter. Criteria: Ambry Variant Classification Scheme 2023. Collection method: clinical testing. Allele origin: germline.
Comment: The p.T2307P variant (also known as c.6919A>C), located in coding exon 47 of the LRRK2 gene, results from an A to C substitution at nucleotide position 6919. The threonine at codon 2307 is replaced by proline, an amino acid with highly similar properties. This amino acid position is conserved. In addition, this alteration is predicted to be tolerated by in silico analysis. Based on the available evidence, the clinical significance of this alteration remains unclear.

Labcorp Genetics (formerly Invitae), Labcorp
Classification: Uncertain significance for Autosomal dominant Parkinson disease 8. Last evaluated: 2022-05-22. Review status: criteria provided, single submitter. Criteria: Invitae Variant Classification Sherloc (09022015). Collection method: clinical testing. Allele origin: germline.
Comment: In summary, the available evidence is currently insufficient to determine the role of this variant in disease. Therefore, it has been classified as a Variant of Uncertain Significance. Algorithms developed to predict the effect of missense changes on protein structure and function (SIFT, PolyPhen-2, Align-GVGD) all suggest that this variant is likely to be tolerated. This variant has not been reported in the literature in individuals affected with LRRK2-related conditions. This variant is not present in population databases (gnomAD no frequency). This sequence change replaces threonine, which is neutral and polar, with proline, which is neutral and non-polar, at codon 2307 of the LRRK2 protein (p.Thr2307Pro).

NM_198578.4(LRRK2):c.6919A>C (p.Thr2307Pro)

Gene: LRRK2 (leucine rich repeat kinase 2; plus strand). Cytogenetic location: 12q12.
Variant type: single nucleotide variant.
Coding change: c.6919A>C on transcript NM_198578.4 (MANE Select); coding-DNA position 6919, A replaced by C.
Protein change: p.Thr2307Pro; replaces threonine 2307 with proline.
Molecular consequence: missense variant.
Genome position (GRCh38, 1-based): chr12:40,359,335, A>C. VCF-style: chr12-40359335-A-C. GRCh37 (hg19) VCF-style: chr12-40753137-A-C.
Other names: c.6919A>C (NM_198578.3); short protein forms T2307P.
Identifiers: ClinVar variation 2149056 (VCV002149056.5), dbSNP rs1946634894, ClinGen allele CA384411674.